The following is an entry in ClinVar:

NM_000157.4(GBA1):c.34C>T (p.Pro12Ser)

Gene: GBA1 (glucosylceramidase beta 1; minus strand). Cytogenetic location: 1q22.
Variant type: single nucleotide variant.
Coding change: c.34C>T on transcript NM_000157.4 (MANE Select); coding-DNA position 34, C replaced by T.
Protein change: p.Pro12Ser; replaces proline 12 with serine.
Molecular consequence: missense variant. On other transcripts: intron variant (1).
Genome position (GRCh38, 1-based): chr1:155,240,711, G>A on the plus strand (C>T on the coding strand, the complement: GBA1 is on the minus strand). VCF-style: chr1-155240711-G-A. GRCh37 (hg19) VCF-style: chr1-155210502-G-A.
Other names: c.34C>T, p.Pro12Ser (NM_001005741.3, NM_001005742.3, NM_001171812.2); c.-146-634C>T (NM_001171811.2); short protein forms P12S.
Identifiers: ClinVar variation 930745 (VCV000930745.3), dbSNP rs763770350, ClinGen allele CA1141873.

ClinVar aggregate classification (germline): Uncertain significance (1 of 4 stars; one submission).

Conditions:
Gaucher disease perinatal lethal. Also called: Gaucher disease collodion type; Gaucher Disease, Perinatal-Lethal Form. Identifiers: Orphanet 85212, MedGen C1842704, MONDO:0011945, OMIM 608013.

Allele frequency attached by ClinVar (database versions not stated): ExAC 0.00001; gnomAD exomes 0.00001; TOPMed 0.00001.
gnomAD v4.1: 12 of 1,613,290 alleles (0.00074%); highest among the groups gnomAD compares: Non-Finnish European, 0.001%; no homozygotes.

Submission:

Centre for Mendelian Genomics, University Medical Centre Ljubljana
Classification: Uncertain significance for Gaucher disease perinatal lethal. Last evaluated: 2019-10-03. Review status: criteria provided, single submitter. Criteria: ACMG Guidelines, 2015. Collection method: clinical testing. Allele origin: unknown. Affected: yes.
Comment: This variant was classified as: Uncertain significance. The available evidence on this variant's pathogenicity is insufficient or conflicting. The following ACMG criteria were applied in classifying this variant: PM2.